The following is an entry in ClinVar:

NM_006206.6(PDGFRA):c.3185G>T (p.Arg1062Ile)

Gene: PDGFRA (platelet derived growth factor receptor alpha; plus strand). Cytogenetic location: 4q12.
Variant type: single nucleotide variant.
Coding change: c.3185G>T on transcript NM_006206.6 (MANE Select); coding-DNA position 3185, G replaced by T.
Protein change: p.Arg1062Ile; replaces arginine 1062 with isoleucine.
Molecular consequence: missense variant.
Genome position (GRCh38, 1-based): chr4:54,295,187, G>T. VCF-style: chr4-54295187-G-T. GRCh37 (hg19) VCF-style: chr4-55161354-G-T.
Other names: c.3260G>T, p.Arg1087Ile (NM_001347828.2); c.3185G>T, p.Arg1062Ile (NM_001347829.2); c.3224G>T, p.Arg1075Ile (NM_001347830.2); short protein forms R1062I, R1075I, R1087I.
Identifiers: ClinVar variation 1501640 (VCV001501640.8), dbSNP rs2110358706, ClinGen allele CA356896577.

ClinVar aggregate classification (germline): Uncertain significance (1 of 4 stars; one submission).

Conditions:
Gastrointestinal stromal tumor. Also called: Gastrointestinal stroma tumor; Gastrointestinal stromal tumor, somatic. Identifiers: Orphanet 44890, MedGen C0238198, MeSH D046152, MONDO:0011719, OMIM 606764, HP:0100723.

Submission:

Labcorp Genetics (formerly Invitae), Labcorp
Classification: Uncertain significance for Gastrointestinal stromal tumor. Last evaluated: 2021-01-13. Review status: criteria provided, single submitter. Criteria: Invitae Variant Classification Sherloc (09022015). Collection method: clinical testing. Allele origin: germline.
Comment: This sequence change replaces arginine with isoleucine at codon 1062 of the PDGFRA protein (p.Arg1062Ile). The arginine residue is highly conserved and there is a moderate physicochemical difference between arginine and isoleucine. In summary, the available evidence is currently insufficient to determine the role of this variant in disease. Therefore, it has been classified as a Variant of Uncertain Significance. Algorithms developed to predict the effect of missense changes on protein structure and function are either unavailable or do not agree on the potential impact of this missense change (SIFT: "Deleterious"; PolyPhen-2: "Probably Damaging"; Align-GVGD: "Class C0"). This variant has not been reported in the literature in individuals with PDGFRA-related conditions. This variant is not present in population databases (ExAC no frequency).